The following is an entry in ClinVar:

NM_015512.5(DNAH1):c.5993C>G (p.Ala1998Gly)

Gene: DNAH1 (dynein axonemal heavy chain 1; plus strand). Cytogenetic location: 3p21.1.
Variant type: single nucleotide variant.
Coding change: c.5993C>G on transcript NM_015512.5 (MANE Select); coding-DNA position 5993, C replaced by G.
Protein change: p.Ala1998Gly; replaces alanine 1998 with glycine.
Molecular consequence: missense variant.
Genome position (GRCh38, 1-based): chr3:52,369,874, C>G. VCF-style: chr3-52369874-C-G. GRCh37 (hg19) VCF-style: chr3-52403890-C-G.
Other names: short protein forms A1998G.
Identifiers: ClinVar variation 544610 (VCV000544610.6), dbSNP rs1553637044, ClinGen allele CA353155067.

ClinVar aggregate classification (germline): Uncertain significance (1 of 4 stars; one submission).

Conditions:
Spermatogenic failure 18. Identifiers: MedGen C4539783, MONDO:0054615, OMIM 617576.
Ciliary dyskinesia, primary, 37 (CILD37). Also called: CILIARY DYSKINESIA, PRIMARY, 37, WITH OR WITHOUT SITUS INVERSUS. Identifiers: MedGen C4539798, MONDO:0033204, OMIM 617577.

Submission:

Labcorp Genetics (formerly Invitae), Labcorp
Classification: Uncertain significance for Ciliary dyskinesia, primary, 37; Spermatogenic failure 18. Last evaluated: 2017-09-20. Review status: criteria provided, single submitter. Criteria: Invitae Variant Classification Sherloc (09022015). Collection method: clinical testing. Allele origin: germline.
Comment: This sequence change replaces alanine with glycine at codon 1998 of the DNAH1 protein (p.Ala1998Gly). The alanine residue is highly conserved and there is a small physicochemical difference between alanine and glycine. This variant is not present in population databases (ExAC no frequency). This variant has not been reported in the literature in individuals with DNAH1-related disease. Algorithms developed to predict the effect of missense changes on protein structure and function (SIFT, PolyPhen-2, Align-GVGD) all suggest that this variant is likely to be disruptive, but these predictions have not been confirmed by published functional studies and their clinical significance is uncertain. Algorithms developed to predict the effect of sequence changes on RNA splicing suggest that this variant may create or strengthen a splice site, but this prediction has not been confirmed by published transcriptional studies. In summary, the available evidence is currently insufficient to determine the role of this variant in disease. Therefore, it has been classified as a Variant of Uncertain Significance.